The following is an entry in ClinVar:

ClinVar aggregate classification (germline): Benign. Review status: criteria provided, multiple submitters, no conflicts (2 of 4 stars). 3 submissions from 3 submitters: Benign (3). Last evaluated 2018-06-26.

Conditions:
Epiphyseal dysplasia, multiple, 2 (EDM2). Also called: COL9A2-Related Multiple Epiphyseal Dysplasia. Identifiers: MedGen C1838429, MONDO:0010844, OMIM 600204.

Allele frequency attached by ClinVar (database versions not stated): gnomAD exomes 0.00452; gnomAD 0.04302 and 0.04619; 1000 Genomes Project 0.04473; 1000 Genomes Project 30x 0.04638; TOPMed 0.04870.
gnomAD v4.1: 10,656 of 1,012,266 alleles (1.1%); highest among the groups gnomAD compares: African/African-American, 15%; 776 homozygotes.

Submissions (3):

GeneDx
Classification: Benign. Last evaluated: 2018-06-26. Review status: criteria provided, single submitter. Criteria: GeneDx Variant Classification Process June 2021. Collection method: clinical testing. Allele origin: germline. Affected: yes.

Illumina Laboratory Services, Illumina
Classification: Benign for Epiphyseal dysplasia, multiple, 2. Last evaluated: 2018-01-12. Review status: criteria provided, single submitter. Criteria: ICSL Variant Classification Criteria 13 December 2019. Collection method: clinical testing. Allele origin: germline.
Comment: This variant was observed in the ICSL laboratory as part of a predisposition screen in an ostensibly healthy population. It had not been previously curated by ICSL or reported in the Human Gene Mutation Database (HGMD: prior to June 1st, 2018), and was therefore a candidate for classification through an automated scoring system. Utilizing variant allele frequency, disease prevalence and penetrance estimates, and inheritance mode, an automated score was calculated to assess if this variant is too frequent to cause the disease. Based on the score and internal cut-off values, a variant classified as benign is not then subjected to further curation. The score for this variant resulted in a classification of benign for this disease.

Breakthrough Genomics
Classification: Benign. Review status: criteria provided, single submitter. Criteria: ACMG Guidelines, 2015. Collection method: not provided. Allele origin: germline. Inheritance: Autosomal recessive inheritance. Affected: yes.

NM_001852.4(COL9A2):c.*122T>C

Gene: COL9A2 (collagen type IX alpha 2 chain; minus strand). Cytogenetic location: 1p34.2.
Variant type: single nucleotide variant.
Coding change: c.*122T>C on transcript NM_001852.4 (MANE Select); 122 bases downstream of the stop codon, T replaced by C.
Molecular consequence: 3 prime UTR variant.
Genome position (GRCh38, 1-based): chr1:40,301,060, A>G on the plus strand (T>C on the coding strand, the complement: COL9A2 is on the minus strand). VCF-style: chr1-40301060-A-G. GRCh37 (hg19) VCF-style: chr1-40766732-A-G.
Identifiers: ClinVar variation 297288 (VCV000297288.7), dbSNP rs2229827, ClinGen allele CA10609918.